The following is an entry in ClinVar:

ClinVar aggregate classification (germline): Uncertain significance (1 of 4 stars; one submission).

Submission:

Labcorp Genetics (formerly Invitae), Labcorp
Classification: Uncertain significance. Last evaluated: 2023-03-14. Review status: criteria provided, single submitter. Criteria: Invitae Variant Classification Sherloc (09022015). Collection method: clinical testing. Allele origin: germline.
Comment: This sequence change replaces methionine, which is neutral and non-polar, with isoleucine, which is neutral and non-polar, at codon 1203 of the SMARCA2 protein (p.Met1203Ile). In summary, the available evidence is currently insufficient to determine the role of this variant in disease. Therefore, it has been classified as a Variant of Uncertain Significance. Advanced modeling of protein sequence and biophysical properties (such as structural, functional, and spatial information, amino acid conservation, physicochemical variation, residue mobility, and thermodynamic stability) performed at Invitae indicates that this missense variant is expected to disrupt SMARCA2 protein function. This variant has not been reported in the literature in individuals affected with SMARCA2-related conditions. This variant is not present in population databases (gnomAD no frequency).

NM_003070.5(SMARCA2):c.3609G>A (p.Met1203Ile)

Gene: SMARCA2 (SWI/SNF related BAF chromatin remodeling complex subunit ATPase 2; plus strand). Cytogenetic location: 9p24.3.
Variant type: single nucleotide variant.
Coding change: c.3609G>A on transcript NM_003070.5 (MANE Select); coding-DNA position 3609, G replaced by A.
Protein change: p.Met1203Ile; replaces methionine 1203 with isoleucine.
Molecular consequence: missense variant.
Genome position (GRCh38, 1-based): chr9:2,115,974, G>A. VCF-style: chr9-2115974-G-A. GRCh37 (hg19) VCF-style: chr9-2115974-G-A.
Other names: c.3609G>A, p.Met1203Ile (NM_001289396.2, NM_139045.4); c.3435G>A, p.Met1145Ile (NM_001289397.2); short protein forms M1145I, M1203I.
Identifiers: ClinVar variation 2842248 (VCV002842248.3), dbSNP rs2537404710, ClinGen allele CA372788963.